The following is an entry in ClinVar:

ClinVar aggregate classification (germline): Uncertain significance. Review status: criteria provided, multiple submitters, no conflicts (2 of 4 stars). 2 submissions from 2 submitters: Uncertain significance (2). Last evaluated 2026-02-23.

Conditions:
Inborn genetic diseases. Identifiers: MedGen C0950123, MeSH D030342.

Submissions (2):

Ambry Genetics
Classification: Uncertain significance for Inborn genetic diseases. Last evaluated: 2026-02-23. Review status: criteria provided, single submitter. Criteria: Ambry Variant Classification Scheme 2023. Collection method: clinical testing. Allele origin: germline.

Labcorp Genetics (formerly Invitae), Labcorp
Classification: Uncertain significance. Last evaluated: 2025-07-13. Review status: criteria provided, single submitter. Criteria: Invitae Variant Classification Sherloc (09022015). Collection method: clinical testing. Allele origin: germline.
Comment: This sequence change replaces proline, which is neutral and non-polar, with arginine, which is basic and polar, at codon 1394 of the COL7A1 protein (p.Pro1394Arg). This variant is not present in population databases (gnomAD no frequency). This variant has not been reported in the literature in individuals affected with COL7A1-related conditions. Invitae Evidence Modeling of protein sequence and biophysical properties (such as structural, functional, and spatial information, amino acid conservation, physicochemical variation, residue mobility, and thermodynamic stability) indicates that this missense variant is not expected to disrupt COL7A1 protein function with a negative predictive value of 95%. In summary, the available evidence is currently insufficient to determine the role of this variant in disease. Therefore, it has been classified as a Variant of Uncertain Significance.

NM_000094.4(COL7A1):c.4181C>G (p.Pro1394Arg)

Gene: COL7A1 (collagen type VII alpha 1 chain; minus strand). Cytogenetic location: 3p21.31.
Variant type: single nucleotide variant.
Coding change: c.4181C>G on transcript NM_000094.4 (MANE Select); coding-DNA position 4181, C replaced by G.
Protein change: p.Pro1394Arg; replaces proline 1394 with arginine.
Molecular consequence: missense variant.
Genome position (GRCh38, 1-based): chr3:48,584,314, G>C on the plus strand (C>G on the coding strand, the complement: COL7A1 is on the minus strand). VCF-style: chr3-48584314-G-C. GRCh37 (hg19) VCF-style: chr3-48621747-G-C.
Other names: short protein forms P1394R.
Identifiers: ClinVar variation 4739973 (VCV004739973.2).